The following is an entry in ClinVar:

NM_001465.6(FYB1):c.656T>C (p.Val219Ala)

Gene: FYB1 (FYN binding protein 1; minus strand). Cytogenetic location: 5p13.1.
Variant type: single nucleotide variant.
Coding change: c.656T>C on transcript NM_001465.6 (MANE Select); coding-DNA position 656, T replaced by C.
Protein change: p.Val219Ala; replaces valine 219 with alanine.
Molecular consequence: missense variant.
Genome position (GRCh38, 1-based): chr5:39,202,305, A>G on the plus strand (T>C on the coding strand, the complement: FYB1 is on the minus strand). VCF-style: chr5-39202305-A-G. GRCh37 (hg19) VCF-style: chr5-39202407-A-G.
Other names: p.Val219Ala; c.686T>C, p.Val229Ala (NM_001243093.2, NM_018594.2); c.656T>C, p.Val219Ala (NM_001349333.2, NM_199335.5); short protein forms V219A, V229A.
Identifiers: ClinVar variation 3517869 (VCV003517869.2).
Genomic context (GRCh38, chr5:39,202,305, plus strand): 5'-TTTAAAGGGCCGCTTTTGGACCTGACTCCCAGGGGAGCTGGGGACCCTTTTGATGAAGAC[A>G]CATTCTTCATGGGGCTTTCGTCTTCATGGGAGTTCTCGGTACTTAGGGGCGGCTTCTGGC-3'
Protein context (NP_001456.3, residues 209-229): SHEDESPMKN[Val219Ala]SSSKGSPAPL

ClinVar aggregate classification (germline): Conflicting classifications of pathogenicity. Review status: criteria provided, conflicting classifications (1 of 4 stars). 2 submissions from 2 submitters: Uncertain significance (1); Likely benign (1). Last evaluated 2025-04-15.

gnomAD v4.1: 5 of 1,613,472 alleles (0.00031%); highest among the groups gnomAD compares: Admixed American, 0.0033%; no homozygotes.

Submissions (2):

Mayo Clinic Laboratories, Mayo Clinic
Classification: Uncertain significance. Last evaluated: 2025-04-15. Review status: criteria provided, single submitter. Criteria: ACMG Guidelines, 2015. Collection method: clinical testing. Allele origin: germline. Observed: 1 variant allele.
Comment: BP4_strong, PM2_supporting

Ambry Genetics
Classification: Likely benign. Last evaluated: 2024-11-11. Review status: criteria provided, single submitter. Criteria: Ambry Variant Classification Scheme 2023. Collection method: clinical testing. Allele origin: germline.